The following is an entry in ClinVar:

NM_007294.4(BRCA1):c.5089T>A (p.Cys1697Ser)

Gene: BRCA1 (BRCA1 DNA repair associated; minus strand). Cytogenetic location: 17q21.31.
Variant type: single nucleotide variant.
Coding change: c.5089T>A on transcript NM_007294.4 (MANE Select); coding-DNA position 5089, T replaced by A.
Protein change: p.Cys1697Ser; replaces cysteine 1697 with serine.
Molecular consequence: missense variant. On other transcripts: non-coding transcript variant (1).
Genome position (GRCh38, 1-based): chr17:43,063,937, A>T on the plus strand (T>A on the coding strand, the complement: BRCA1 is on the minus strand). VCF-style: chr17-43063937-A-T. GRCh37 (hg19) VCF-style: chr17-41215954-A-T.
Other names: c.4876T>A, p.Cys1626Ser (NM_001407571.1, NM_001407894.1, NM_001407895.1 and 12 more transcripts); c.5155T>A, p.Cys1719Ser (NM_001407581.1, NM_001407582.1); c.5152T>A, p.Cys1718Ser (NM_001407583.1, NM_001407585.1, NM_001407587.1 and 1 more transcripts); c.5149T>A, p.Cys1717Ser (NM_001407590.1, NM_001407591.1); c.5089T>A, p.Cys1697Ser (NM_001407593.1, NM_001407594.1, NM_001407596.1 and 7 more transcripts); c.5086T>A, p.Cys1696Ser (NM_001407619.1, NM_001407620.1, NM_001407621.1 and 17 more transcripts); c.5083T>A, p.Cys1695Ser (NM_001407627.1, NM_001407638.1, NM_001407639.1 and 14 more transcripts); c.5080T>A, p.Cys1694Ser (NM_001407644.1, NM_001407645.1); and 71 more; short protein forms C1697S, C1650S, C593S, C1718S, C1570S, C1586S, C1607S, C1608S.
Identifiers: ClinVar variation 141077 (VCV000141077.16), dbSNP rs80356993, ClinGen allele CA003227.
Genomic context (GRCh38, chr17:43,063,937, plus strand): 5'-AATAGCTAACTACCCATTTTCCTCCCGCAATTCCTAGAAAATATTTCAGTGTCCGTTCAC[A>T]CACAAACTCAGCATCTGCAGAATGAAAAACACTCAAAGGATTAGAAGTTGAAAACAAAAT-3'
Protein context (NP_009225.1, residues 1687-1707): VVMKTDAEFV[Cys1697Ser]ERTLKYFLGI

ClinVar aggregate classification (germline): Uncertain significance. Review status: criteria provided, multiple submitters, no conflicts (2 of 4 stars). 2 submissions from 2 submitters: Uncertain significance (2). Last evaluated 2020-09-13.

Conditions:
Hereditary cancer-predisposing syndrome. Also called: Tumor predisposition; Hereditary neoplastic syndrome; Hereditary Cancer Syndrome; Neoplastic Syndromes, Hereditary. Identifiers: Orphanet 140162, MedGen C0027672, MeSH D009386, MONDO:0015356.
Hereditary breast ovarian cancer syndrome. Also called: Hereditary breast and/or ovarian cancer syndrome; Breast and ovarian cancer; Hereditary breast and ovarian cancer syndrome; Hereditary breast and ovarian cancer; Hereditary breast and ovarian cancer syndrome (HBOC); BRCA1- and BRCA2-Associated Hereditary Breast and Ovarian Cancer. Identifiers: Orphanet 145, MedGen C0677776, MeSH D061325, MONDO:0003582. Disease mechanism: loss of function.

Submissions (3):

Labcorp Genetics (formerly Invitae), Labcorp
Classification: Uncertain significance for Hereditary breast ovarian cancer syndrome. Last evaluated: 2020-09-13. Review status: criteria provided, single submitter. Criteria: Invitae Variant Classification Sherloc (09022015). Collection method: clinical testing. Allele origin: germline.
Comment: This variant has not been reported in the literature in individuals with BRCA1-related conditions. ClinVar contains an entry for this variant (Variation ID: 141077). In summary, the available evidence is currently insufficient to determine the role of this variant in disease. Therefore, it has been classified as a Variant of Uncertain Significance. This variant disrupts the p.Cys1697 amino acid residue in BRCA1. Other variant(s) that disrupt this residue have been determined to be pathogenic (PMID: 11389159, 11157798, 18465347, 20516115, 14534301). This suggests that this residue is clinically-significant, and that variants that disrupt this residue are likely to be disease-causing. This variant has been reported not to substantially affect BRCA1 protein function (PMID: 30209399). This variant is not present in population databases (ExAC no frequency). This sequence change replaces cysteine with serine at codon 1697 of the BRCA1 protein (p.Cys1697Ser). The cysteine residue is highly conserved and there is a moderate physicochemical difference between cysteine and serine.

Ambry Genetics
Classification: Uncertain significance for Hereditary cancer-predisposing syndrome. Last evaluated: 2013-12-09. Review status: criteria provided, single submitter. Criteria: Ambry Autosomal Dominant and X-Linked criteria (10/2015). Collection method: clinical testing. Allele origin: germline. Observed: 1 variant allele.
Comment: The p.C1697S variant (also known as c.5089T>A or 5208T>A) located in coding exon 16 of the BRCA1 gene. This variant results from a T to A substitution at nucleotide position 5089. The cysteine at codon 1697 is replaced by serine, an amino acid with dissimilar properties. This variant was not reported in population based cohorts in the following databases: Database of Single Nucleotide Polymorphisms (dbSNP), NHLBI Exome Sequencing Project (ESP), and 1000 Genomes Project.To date, this alteration has been detected with an allele frequency of approximately 0.01% (greater than 7800 alleles tested) in our clinical cohort (includes this individual). Based on protein sequence alignment, thisamino acid position is highly conserved in available vertebrate species. In addition, this alteration is predicted to be possibly damaging and deleterious by PolyPhen and SIFT in silico analyses, respectively.Since supporting evidence is limited at this time, the clinical significance ofp.C1697Sremains unclear.

Brotman Baty Institute, University of Washington
No classification provided (evidence only). Condition: Breast-ovarian cancer, familial 1. Review status: no classification provided. Collection method: in vitro. Allele origin: not applicable. Functional consequence: functionally_normal. Not counted in ClinVar's aggregate classification.
ClinVar note: "not provided" was previously submitted as the classification for the variant. However, the classification appeared to be based only on an observation of functional data so it was converted to no classification on 2025-07-30.

Literature cited by the submitters: PubMed 11389159 (cited by Labcorp Genetics (formerly Invitae), Labcorp); PubMed 11157798 (cited by Labcorp Genetics (formerly Invitae), Labcorp); PubMed 18465347 (cited by Labcorp Genetics (formerly Invitae), Labcorp); PubMed 20516115 (cited by Labcorp Genetics (formerly Invitae), Labcorp); PubMed 14534301 (cited by Labcorp Genetics (formerly Invitae), Labcorp); PubMed 30209399 (cited by Labcorp Genetics (formerly Invitae), Labcorp).